The following is an entry in ClinVar:

NM_000057.4(BLM):c.2948A>T (p.Asp983Val)

Gene: BLM (BLM RecQ like helicase; plus strand). Cytogenetic location: 15q26.1.
Variant type: single nucleotide variant.
Coding change: c.2948A>T on transcript NM_000057.4 (MANE Select); coding-DNA position 2948, A replaced by T.
Protein change: p.Asp983Val; replaces aspartic acid 983 with valine.
Molecular consequence: missense variant.
Genome position (GRCh38, 1-based): chr15:90,790,773, A>T. VCF-style: chr15-90790773-A-T. GRCh37 (hg19) VCF-style: chr15-91334003-A-T.
Other names: c.2948A>T, p.Asp983Val (NM_001287246.2, NM_001287247.2); c.1823A>T, p.Asp608Val (NM_001287248.2); short protein forms D983V, D608V.
Identifiers: ClinVar variation 844060 (VCV000844060.13), dbSNP rs1896886266, ClinGen allele CA393846475.

ClinVar aggregate classification (germline): Uncertain significance. Review status: criteria provided, multiple submitters, no conflicts (2 of 4 stars). 3 submissions from 3 submitters: Uncertain significance (2). 1 of the submissions does not count toward it. Last evaluated 2023-12-01.

Conditions:
Hereditary cancer-predisposing syndrome. Also called: Hereditary Cancer Syndrome; Hereditary neoplastic syndrome; Tumor predisposition; Neoplastic Syndromes, Hereditary. Identifiers: Orphanet 140162, MedGen C0027672, MeSH D009386, MONDO:0015356.
Bloom syndrome (BLM). Also called: Bloom-Torre-Machacek syndrome. Identifiers: Orphanet 125, MedGen C0005859, MONDO:0008876, OMIM 210900.

Allele frequency attached by ClinVar (database versions not stated): gnomAD exomes below 0.00001.
gnomAD v4.1: 4 of 1,614,126 alleles (0.00025%); highest among the groups gnomAD compares: Non-Finnish European, 0.00034%; no homozygotes.

Submissions (3):

Ambry Genetics
Classification: Uncertain significance for Hereditary cancer-predisposing syndrome. Last evaluated: 2023-12-01. Review status: criteria provided, single submitter. Criteria: Ambry Variant Classification Scheme 2023. Collection method: clinical testing. Allele origin: germline.
Comment: The p.D983V variant (also known as c.2948A>T), located in coding exon 14 of the BLM gene, results from an A to T substitution at nucleotide position 2948. The aspartic acid at codon 983 is replaced by valine, an amino acid with highly dissimilar properties. This amino acid position is conserved. In addition, this alteration is predicted to be deleterious by in silico analysis. Since supporting evidence is limited at this time, the clinical significance of this alteration remains unclear.

Labcorp Genetics (formerly Invitae), Labcorp
Classification: Uncertain significance for Bloom syndrome. Last evaluated: 2021-02-24. Review status: criteria provided, single submitter. Criteria: Invitae Variant Classification Sherloc (09022015). Collection method: clinical testing. Allele origin: germline.
Comment: In summary, the available evidence is currently insufficient to determine the role of this variant in disease. Therefore, it has been classified as a Variant of Uncertain Significance. Algorithms developed to predict the effect of missense changes on protein structure and function are either unavailable or do not agree on the potential impact of this missense change (SIFT: "Deleterious"; PolyPhen-2: "Probably Damaging"; Align-GVGD: "Class C15"). This variant has not been reported in the literature in individuals with BLM-related conditions. This variant is not present in population databases (ExAC no frequency). This sequence change replaces aspartic acid with valine at codon 983 of the BLM protein (p.Asp983Val). The aspartic acid residue is highly conserved and there is a large physicochemical difference between aspartic acid and valine.

Natera, Inc.
Classification: Uncertain significance for Bloom syndrome. Last evaluated: 2025-03-06. Review status: no assertion criteria provided. Collection method: clinical testing. Allele origin: germline. Not counted in ClinVar's aggregate classification.